The following is an entry in ClinVar:

NM_018946.4(NANS):c.595G>A (p.Val199Ile)

Genes: NANS (N-acetylneuraminate synthase; plus strand), TRIM14 (tripartite motif containing 14; minus strand). Cytogenetic location: 9q22.33.
Variant type: single nucleotide variant.
Coding change: c.595G>A on transcript NM_018946.4 (MANE Select); coding-DNA position 595, G replaced by A.
Protein change: p.Val199Ile; replaces valine 199 with isoleucine.
Molecular consequence: missense variant.
Genome position (GRCh38, 1-based): chr9:98,078,339, G>A. VCF-style: chr9-98078339-G-A. GRCh37 (hg19) VCF-style: chr9-100840621-G-A.
Other names: c.595G>A (NM_018946.3); short protein forms V199I.
Identifiers: ClinVar variation 2180922 (VCV002180922.2), dbSNP rs376804708, ClinGen allele CA5150334.

ClinVar aggregate classification (germline): Uncertain significance. Review status: criteria provided, multiple submitters, no conflicts (2 of 4 stars). 2 submissions from 2 submitters: Uncertain significance (2). Last evaluated 2022-10-17.

Conditions:
Inborn genetic diseases. Identifiers: MedGen C0950123, MeSH D030342.

Allele frequency attached by ClinVar (database versions not stated): gnomAD exomes 0.00001; ExAC 0.00003; gnomAD 0.00013; ESP Exome Variant Server 0.00015; 1000 Genomes Project 30x 0.00016; 1000 Genomes Project 0.00020; TOPMed 0.00020.
gnomAD v4.1: 32 of 1,613,954 alleles (0.002%); highest among the groups gnomAD compares: African/African-American, 0.027%; no homozygotes.

Submissions (2):

Labcorp Genetics (formerly Invitae), Labcorp
Classification: Uncertain significance. Last evaluated: 2022-10-17. Review status: criteria provided, single submitter. Criteria: Invitae Variant Classification Sherloc (09022015). Collection method: clinical testing. Allele origin: germline.
Comment: This sequence change replaces valine, which is neutral and non-polar, with isoleucine, which is neutral and non-polar, at codon 199 of the NANS protein (p.Val199Ile). This variant is present in population databases (rs376804708, gnomAD 0.04%). This variant has not been reported in the literature in individuals affected with NANS-related conditions. Algorithms developed to predict the effect of missense changes on protein structure and function output the following: SIFT: "Tolerated"; PolyPhen-2: "Benign"; Align-GVGD: "Class C0". The isoleucine amino acid residue is found in multiple mammalian species, which suggests that this missense change does not adversely affect protein function. In summary, the available evidence is currently insufficient to determine the role of this variant in disease. Therefore, it has been classified as a Variant of Uncertain Significance.

Ambry Genetics
Classification: Uncertain significance for Inborn genetic diseases. Last evaluated: 2021-07-06. Review status: criteria provided, single submitter. Criteria: Ambry Variant Classification Scheme 2023. Collection method: clinical testing. Allele origin: germline.